The following is an entry in ClinVar:

ClinVar aggregate classification (germline): Conflicting classifications of pathogenicity. Review status: criteria provided, conflicting classifications (1 of 4 stars). 5 submissions from 5 submitters: Likely pathogenic (1); Uncertain significance (4). Last evaluated 2023-05-02.

Conditions:
Cardiovascular phenotype. Identifiers: MedGen CN230736.
Walker-Warburg congenital muscular dystrophy. Also called: Muscular dystrophy-dystroglycanopathy, type A; Walker-Warburg syndrome. Identifiers: Orphanet 899, MedGen C0265221, MONDO:0000171.

Allele frequency attached by ClinVar (database versions not stated): gnomAD exomes below 0.00001 and 0.00001; TOPMed below 0.00001; gnomAD 0.00001; ExAC 0.00003.
gnomAD v4.1: 2 of 1,575,238 alleles (0.00013%); highest among the groups gnomAD compares: African/African-American, 0.0013%; no homozygotes.

Submissions (5):

Mayo Clinic Laboratories, Mayo Clinic
Classification: Uncertain significance. Last evaluated: 2023-05-02. Review status: criteria provided, single submitter. Criteria: ACMG Guidelines, 2015. Collection method: clinical testing. Allele origin: germline. Observed: 1 variant allele.
Comment: PP3, PM2, PM3

Labcorp Genetics (formerly Invitae), Labcorp
Classification: Likely pathogenic for Walker-Warburg congenital muscular dystrophy. Last evaluated: 2023-01-23. Review status: criteria provided, single submitter. Criteria: Invitae Variant Classification Sherloc (09022015). Collection method: clinical testing. Allele origin: germline.
Comment: In summary, the currently available evidence indicates that the variant is pathogenic, but additional data are needed to prove that conclusively. Therefore, this variant has been classified as Likely Pathogenic. This variant disrupts the p.Arg352 amino acid residue in FKRP. Other variant(s) that disrupt this residue have been determined to be pathogenic (Invitae). This suggests that this residue is clinically significant, and that variants that disrupt this residue are likely to be disease-causing. Advanced modeling of protein sequence and biophysical properties (such as structural, functional, and spatial information, amino acid conservation, physicochemical variation, residue mobility, and thermodynamic stability) performed at Invitae indicates that this missense variant is expected to disrupt FKRP protein function. ClinVar contains an entry for this variant (Variation ID: 283765). This variant has not been reported in the literature in individuals affected with FKRP-related conditions. This variant is present in population databases (rs751676482, gnomAD 0.001%). This sequence change replaces arginine, which is basic and polar, with cysteine, which is neutral and slightly polar, at codon 352 of the FKRP protein (p.Arg352Cys).

Ambry Genetics
Classification: Uncertain significance for Cardiovascular phenotype. Last evaluated: 2020-10-26. Review status: criteria provided, single submitter. Criteria: Ambry Variant Classification Scheme 2023. Collection method: clinical testing. Allele origin: germline.
Comment: The p.R352C variant (also known as c.1054C>T), located in coding exon 1 of the FKRP gene, results from a C to T substitution at nucleotide position 1054. The arginine at codon 352 is replaced by cysteine, an amino acid with highly dissimilar properties. This amino acid position is highly conserved in available vertebrate species. In addition, this alteration is predicted to be deleterious by in silico analysis. Since supporting evidence is limited at this time, the clinical significance of this alteration remains unclear.

GeneDx
Classification: Uncertain significance. Last evaluated: 2017-04-03. Review status: criteria provided, single submitter. Criteria: GeneDx Variant Classification (06012015). Collection method: clinical testing. Allele origin: germline. Affected: yes.
Comment: A variant of uncertain significance has been identified in the FKRP gene. The R352C variant has not been published as pathogenic or been reported as benign to our knowledge. This variant is not observed at a significant frequency in large population cohorts (Lek et al., 2016; 1000 Genomes Consortium et al., 2015; Exome Variant Server). The R352C variant is a non-conservative amino acid substitution, which is likely to impact secondary protein structure as these residues differ in polarity, charge, size and/or other properties. This substitution occurs at a position that is conserved across species, and in silico analysis predicts this variant is probably damaging to the protein structure/function. However, this variant lacks observation in a significant number of affected individuals, segregation data, and functional evidence, which would further clarify its pathogenicity.

Eurofins Ntd Llc (ga)
Classification: Uncertain significance. Last evaluated: 2015-10-09. Review status: criteria provided, single submitter. Criteria: EGL Classification Definitions 2015. Collection method: clinical testing. Allele origin: germline. Observed: 1 variant allele, 1 heterozygote.

Literature cited by the submitters: PubMed 15060126 (cited by Eurofins Ntd Llc (ga)).

NM_024301.5(FKRP):c.1054C>T (p.Arg352Cys)

Gene: FKRP (fukutin related protein; plus strand). Cytogenetic location: 19q13.32.
Variant type: single nucleotide variant.
Coding change: c.1054C>T on transcript NM_024301.5 (MANE Select); coding-DNA position 1054, C replaced by T.
Protein change: p.Arg352Cys; replaces arginine 352 with cysteine.
Molecular consequence: missense variant.
Genome position (GRCh38, 1-based): chr19:46,756,504, C>T. VCF-style: chr19-46756504-C-T. GRCh37 (hg19) VCF-style: chr19-47259761-C-T.
Other names: p.Arg352Cys; c.1054C>T, p.Arg352Cys (NM_001039885.3); short protein forms R352C.
Identifiers: ClinVar variation 283765 (VCV000283765.12), dbSNP rs751676482, ClinGen allele CA9532236.